The following is an entry in ClinVar:

NM_001136213.1(POTEH):c.309C>T (p.Cys103=)

Gene: POTEH (POTE ankyrin domain family member H; plus strand). Cytogenetic location: 22q11.1.
Variant type: single nucleotide variant.
Coding change: c.309C>T on transcript NM_001136213.1 (MANE Select); coding-DNA position 309, C replaced by T.
Protein change: p.Cys103=; no amino-acid change (cysteine 103 retained).
Molecular consequence: synonymous variant.
Genome position (GRCh38, 1-based): chr22:15,690,386, C>T. VCF-style: chr22-15690386-C-T. GRCh37 (hg19) VCF-style: chr22-16287577-G-A.
Identifiers: ClinVar variation 4872210 (VCV004872210.2).

ClinVar aggregate classification (germline): Likely benign (1 of 4 stars; one submission).

Submission:

CeGaT Center for Human Genetics Tuebingen
Classification: Likely benign. Last evaluated: 2026-04-01. Review status: criteria provided, single submitter. Criteria: CeGaT Center For Human Genetics Tuebingen Variant Classification Criteria Version 2. Collection method: clinical testing. Allele origin: germline. Affected: yes. Observed: 1 variant allele.
Comment: POTEH: PM2:Supporting, BP4, BP7